The following is an entry in ClinVar:

NM_000310.4(PPT1):c.135_137dup (p.Cys46dup)

Gene: PPT1 (palmitoyl-protein thioesterase 1; minus strand). Cytogenetic location: 1p34.2.
Variant type: Duplication.
Coding change: c.135_137dup on transcript NM_000310.4 (MANE Select); coding-DNA positions 135 to 137, 3 bases duplicated (TTG; older notation c.135_137dupTTG).
Protein change: p.Cys46dup; duplicates cysteine 46.
Molecular consequence: inframe insertion. On other transcripts: intron variant (1).
Genome position (GRCh38, 1-based): chr1:40,092,495-40,092,497, CAA duplicated on the plus strand (TTG on the coding strand, the reverse complement: PPT1 is on the minus strand); duplicating any 3 consecutive bases within chr1:40,092,495-40,092,499 gives the same sequence; the c. name uses the placement nearest the transcript's 3' end. VCF-style (leftmost placement, unchanged base first): chr1-40092494-G-GCAA. GRCh37 (hg19) VCF-style: chr1-40558166-G-GCAA.
Other names: c.135_137dup, p.Cys46dup (NM_001363695.2); c.125-2985_125-2983dup (NM_001142604.2); c.132_133insTGT (NM_000310.3).
Identifiers: ClinVar variation 56180 (VCV000056180.2), dbSNP rs386833632, ClinGen allele CA263475.
Genomic context (GRCh38, chr1:40,092,494, plus strand): 5'-GTAAATTCCAGGTATTTTCTTCTCCACCATTTTTTTAATAGCACCCATGCTTAAGGGATT[G>GCAA]CAACAGCTGTCTCCTAGCCAACAAAACACAATGATGGAAACTCATGAGTCCAAATATTGT-3'

ClinVar aggregate classification (germline): Likely pathogenic (0 of 4 stars; one submission).

Conditions:
Neuronal ceroid lipofuscinosis 1 (CLN1). Also called: CEROID LIPOFUSCINOSIS, NEURONAL, 1, VARIABLE AGE AT ONSET; PPT1-Related Neuronal Ceroid-Lipofuscinosis. Identifiers: Orphanet 228329, MedGen C1850451, MONDO:0009744, OMIM 256730.

Submission:

Juha Muilu Group; Institute for Molecular Medicine Finland (FIMM)
Classification: Likely pathogenic for Ceroid lipofuscinosis neuronal 1. Review status: no assertion criteria provided. Collection method: not provided. Allele origin: unknown.
Comment: FinDis database variant: This variant was not found or characterized by our laboratory, data were collected from public sources: see reference
ClinVar note: Converted during submission from probable-pathogenic to Likely pathogenic.